The following is an entry in ClinVar:

NM_015981.4(CAMK2A):c.1406G>A (p.Arg469Gln)

Gene: CAMK2A (calcium/calmodulin dependent protein kinase II alpha; minus strand). Cytogenetic location: 5q32.
Variant type: single nucleotide variant.
Coding change: c.1406G>A on transcript NM_015981.4 (MANE Select); coding-DNA position 1406, G replaced by A.
Protein change: p.Arg469Gln; replaces arginine 469 with glutamine.
Molecular consequence: missense variant.
Genome position (GRCh38, 1-based): chr5:150,223,049, C>T on the plus strand (G>A on the coding strand, the complement: CAMK2A is on the minus strand). VCF-style: chr5-150223049-C-T. GRCh37 (hg19) VCF-style: chr5-149602612-C-T.
Other names: c.1406G>A, p.Arg469Gln (NM_001363989.1); c.1373G>A, p.Arg458Gln (NM_001363990.1, NM_001369025.2, NM_171825.3); short protein forms R458Q, R469Q.
Identifiers: ClinVar variation 2499227 (VCV002499227.1), dbSNP rs2481475982, ClinGen allele CA361739322.

ClinVar aggregate classification (germline): Uncertain significance (1 of 4 stars; one submission).

Submission:

GeneDx
Classification: Uncertain significance. Last evaluated: 2022-10-14. Review status: criteria provided, single submitter. Criteria: GeneDx Variant Classification Process June 2021. Collection method: clinical testing. Allele origin: germline. Affected: yes.
Comment: Not observed at significant frequency in large population cohorts (gnomAD); In silico analysis supports that this missense variant has a deleterious effect on protein structure/function; Has not been previously published as pathogenic or benign to our knowledge